The following is an entry in ClinVar:

ClinVar aggregate classification (germline): Conflicting classifications of pathogenicity. Review status: criteria provided, conflicting classifications (1 of 4 stars). 4 submissions from 4 submitters: Uncertain significance (1); Likely benign (3). Last evaluated 2026-09-02.

Conditions:
Aortic valve disease 2 (AOVD2). Identifiers: MedGen C3542024, MONDO:0013902, OMIM 614823.
Inborn genetic diseases. Identifiers: MedGen C0950123, MeSH D030342.

Allele frequency attached by ClinVar (database versions not stated): ExAC below 0.00001; gnomAD exomes 0.00021 and 0.00039; gnomAD 0.00023; TOPMed 0.00025.
gnomAD v4.1: 271 of 1,292,696 alleles (0.021%); highest among the groups gnomAD compares: Non-Finnish European, 0.024%; 1 homozygote.

Submissions (4):

Ambry Genetics
Classification: Likely benign for Inborn genetic diseases. Last evaluated: 2026-09-02. Review status: criteria provided, single submitter. Criteria: Ambry Variant Classification Scheme 2023. Collection method: clinical testing. Allele origin: germline.

Labcorp Genetics (formerly Invitae), Labcorp
Classification: Uncertain significance for Aortic valve disease 2. Last evaluated: 2026-01-17. Review status: criteria provided, single submitter. Criteria: Invitae Variant Classification Sherloc (09022015). Collection method: clinical testing. Allele origin: germline.
Comment: This sequence change replaces serine, which is neutral and polar, with cysteine, which is neutral and slightly polar, at codon 58 of the SMAD6 protein (p.Ser58Cys). This variant is present in population databases (rs756752655, gnomAD 0.03%). This variant has not been reported in the literature in individuals affected with SMAD6-related conditions. ClinVar contains an entry for this variant (Variation ID: 571213). An algorithm developed to predict the effect of missense changes on protein structure and function (PolyPhen-2) suggests that this variant is likely to be tolerated. In summary, the available evidence is currently insufficient to determine the role of this variant in disease. Therefore, it has been classified as a Variant of Uncertain Significance.

CeGaT Center for Human Genetics Tuebingen
Classification: Likely benign. Last evaluated: 2025-07-01. Review status: criteria provided, single submitter. Criteria: CeGaT Center For Human Genetics Tuebingen Variant Classification Criteria Version 2. Collection method: clinical testing. Allele origin: germline. Affected: yes. Observed: 1 variant allele.
Comment: SMAD6: BS1

Blueprint Genetics
Classification: Likely benign. Last evaluated: 2024-11-26. Review status: criteria provided, single submitter. Criteria: ACMG Guidelines, 2015. Collection method: clinical testing. Allele origin: germline.

NM_005585.5(SMAD6):c.173C>G (p.Ser58Cys)

Gene: SMAD6 (SMAD family member 6; plus strand). Cytogenetic location: 15q22.31.
Variant type: single nucleotide variant.
Coding change: c.173C>G on transcript NM_005585.5 (MANE Select); coding-DNA position 173, C replaced by G.
Protein change: p.Ser58Cys; replaces serine 58 with cysteine.
Molecular consequence: missense variant. On other transcripts: non-coding transcript variant (1).
Genome position (GRCh38, 1-based): chr15:66,703,431, C>G. VCF-style: chr15-66703431-C-G. GRCh37 (hg19) VCF-style: chr15-66995769-C-G.
Other names: short protein forms S58C.
Identifiers: ClinVar variation 571213 (VCV000571213.21), dbSNP rs756752655, ClinGen allele CA7626447.